The following is an entry in ClinVar:

ClinVar aggregate classification (germline): Uncertain significance (1 of 4 stars; one submission).

gnomAD v4.1: 5 of 1,613,310 alleles (0.00031%); highest among the groups gnomAD compares: Non-Finnish European, 0.00042%; no homozygotes.

Submission:

Dasa
Classification: Uncertain significance. Last evaluated: 2025-10-13. Review status: criteria provided, single submitter. Criteria: DASA Assertion Criteria. Collection method: clinical testing. Allele origin: germline.
Comment: NM_014159.7(SETD2):c.4162G>T (p.Asp1388Tyr) is a missense variant that results in the substitution of aspartic acid with tyrosine. This variant is rare in population databases. The currently available literature and clinical evidence are not sufficient to establish a definitive association between this variant and the reported condition. Therefore, this variant is classified as a variant of uncertain significance.

NM_014159.7(SETD2):c.4162G>T (p.Asp1388Tyr)

Gene: SETD2 (SET domain containing 2, histone lysine methyltransferase; minus strand). Cytogenetic location: 3p21.31.
Variant type: single nucleotide variant.
Coding change: c.4162G>T on transcript NM_014159.7 (MANE Select); coding-DNA position 4162, G replaced by T.
Protein change: p.Asp1388Tyr; replaces aspartic acid 1388 with tyrosine.
Molecular consequence: missense variant. On other transcripts: non-coding transcript variant (1).
Genome position (GRCh38, 1-based): chr3:47,120,474, C>A on the plus strand (G>T on the coding strand, the complement: SETD2 is on the minus strand). VCF-style: chr3-47120474-C-A. GRCh37 (hg19) VCF-style: chr3-47161964-C-A.
Other names: c.4030G>T, p.Asp1344Tyr (NM_001349370.3); short protein forms D1344Y, D1388Y.
Identifiers: ClinVar variation 4885452 (VCV004885452.2).